The following is an entry in ClinVar:

ClinVar aggregate classification (germline): Uncertain significance (1 of 4 stars; one submission).

Conditions:
Familial cold autoinflammatory syndrome 3 (FCAS3). Also called: ANTIBODY DEFICIENCY AND IMMUNE DYSREGULATION, PLCG2-ASSOCIATED; FAMILIAL ATYPICAL COLD URTICARIA. Identifiers: Orphanet 300359, MedGen C3280914, MONDO:0013766, OMIM 614468.

gnomAD v4.1: 20 of 1,614,004 alleles (0.0012%); highest among the groups gnomAD compares: African/African-American, 0.0053%; no homozygotes.

Submission:

Labcorp Genetics (formerly Invitae), Labcorp
Classification: Uncertain significance for Familial cold autoinflammatory syndrome 3. Last evaluated: 2025-01-30. Review status: criteria provided, single submitter. Criteria: Invitae Variant Classification Sherloc (09022015). Collection method: clinical testing. Allele origin: germline.
Comment: This sequence change replaces arginine, which is basic and polar, with cysteine, which is neutral and slightly polar, at codon 1224 of the PLCG2 protein (p.Arg1224Cys). This variant is present in population databases (rs199530350, gnomAD 0.006%). This variant has not been reported in the literature in individuals affected with PLCG2-related conditions. An algorithm developed to predict the effect of missense changes on protein structure and function (PolyPhen-2) suggests that this variant is likely to be disruptive. In summary, the available evidence is currently insufficient to determine the role of this variant in disease. Therefore, it has been classified as a Variant of Uncertain Significance.

NM_002661.5(PLCG2):c.3670C>T (p.Arg1224Cys)

Gene: PLCG2 (phospholipase C gamma 2; plus strand). Cytogenetic location: 16q23.3.
Variant type: single nucleotide variant.
Coding change: c.3670C>T on transcript NM_002661.5 (MANE Select); coding-DNA position 3670, C replaced by T.
Protein change: p.Arg1224Cys; replaces arginine 1224 with cysteine.
Molecular consequence: missense variant.
Genome position (GRCh38, 1-based): chr16:81,956,794, C>T. VCF-style: chr16-81956794-C-T. GRCh37 (hg19) VCF-style: chr16-81990399-C-T.
Other names: c.3670C>T, p.Arg1224Cys (NM_001425749.1, NM_001425750.1, NM_001425751.1); short protein forms R1224C.
Identifiers: ClinVar variation 3667672 (VCV003667672.1).
Genomic context (GRCh38, chr16:81,956,794, plus strand): 5'-AGGAGGCGGCAAGAAGAACTGAACAACCAGCTCTTTCTGTATGACACACACCAGAACTTG[C>T]GCAATGCCAACCGGGATGCCCTGGTTAAAGAGTTCAGTGTTAATGAGAACCAGCTCCAGC-3'
Protein context (NP_002652.2, residues 1214-1234): LFLYDTHQNL[Arg1224Cys]NANRDALVKE